The following is an entry in ClinVar:

NM_001379403.1(WDR26):c.1458+3A>G

Gene: WDR26 (WD repeat domain 26; minus strand). Cytogenetic location: 1q42.12.
Variant type: single nucleotide variant.
Coding change: c.1458+3A>G on transcript NM_001379403.1 (MANE Select); 3 bases into the intron after coding-DNA position 1458, A replaced by G.
Molecular consequence: intron variant.
Genome position (GRCh38, 1-based): chr1:224,411,424, T>C on the plus strand (A>G on the coding strand, the complement: WDR26 is on the minus strand). VCF-style: chr1-224411424-T-C. GRCh37 (hg19) VCF-style: chr1-224599126-T-C.
Other names: c.1110+3A>G (NM_001115113.3); c.1158+3A>G (NM_025160.7).
Identifiers: ClinVar variation 2247258 (VCV002247258.2), dbSNP rs1416577860, ClinGen allele CA529388904.
Genomic context (GRCh38, chr1:224,411,424, plus strand): 5'-TCAATGAATTAGATTCAAAATTATCCCCTTTTGTAATATAAACACTCATATTGGGGTACA[T>C]ACCGGATCAACTTGCCATATGATAACTGTTGTATCTTTTGATCCTGTTGCTAGTTTAGTG-3'

ClinVar aggregate classification (germline): Uncertain significance (1 of 4 stars; one submission).

Conditions:
Inborn genetic diseases. Identifiers: MedGen C0950123, MeSH D030342.

Allele frequency attached by ClinVar (database versions not stated): gnomAD exomes below 0.00001; gnomAD 0.00001; TOPMed 0.00001.
gnomAD v4.1: 2 of 1,608,540 alleles (0.00012%); highest among the groups gnomAD compares: East Asian, 0.0045%; no homozygotes.

Submission:

Ambry Genetics
Classification: Uncertain significance for Inborn genetic diseases. Last evaluated: 2021-09-24. Review status: criteria provided, single submitter. Criteria: Ambry Variant Classification Scheme 2023. Collection method: clinical testing. Allele origin: germline.
Comment: The c.1158+3A>G intronic alteration consists of a A to G substitution nucleotides after coding exon 7 in the WDR26 gene. Based on insufficient or conflicting evidence, the clinical significance of this alteration remains unclear.